The following is an entry in ClinVar:

NM_001042492.3(NF1):c.1275G>A (p.Trp425Ter)

Gene: NF1 (neurofibromin 1; plus strand). Cytogenetic location: 17q11.2.
Variant type: single nucleotide variant.
Coding change: c.1275G>A on transcript NM_001042492.3 (MANE Select); coding-DNA position 1275, G replaced by A.
Protein change: p.Trp425Ter; replaces tryptophan 425 with a stop codon.
Molecular consequence: nonsense.
Genome position (GRCh38, 1-based): chr17:31,206,254, G>A. VCF-style: chr17-31206254-G-A. GRCh37 (hg19) VCF-style: chr17-29533272-G-A.
Other names: p.Trp425Ter; c.1275G>A, p.Trp425Ter (NM_000267.4, NM_001128147.3); short protein forms W425*.
Identifiers: ClinVar variation 855972 (VCV000855972.11), dbSNP rs2066619128, ClinGen allele CA398999117.
Genomic context (GRCh38, chr17:31,206,254, plus strand): 5'-CGTAATTTTGTACTTTTTCTTCCTATTGGTCTTTGTTTTTCTCTAGTCCGCATTGGATTG[G>A]TGGCCTAAGATTGATGCTGTGTATTGTCACTCGGTTGAACTTCGAAATATGTTTGGTGAA-3'

ClinVar aggregate classification (germline): Pathogenic. Review status: criteria provided, multiple submitters, no conflicts (2 of 4 stars). 5 submissions from 5 submitters: Pathogenic (5). Last evaluated 2026-06-02.

Conditions:
Neurofibromatosis, type 1 (NF1). Also called: VON RECKLINGHAUSEN DISEASE; Peripheral type neurofibromatosis; Neurofibromatosis, type I; NEUROFIBROMATOSIS, TYPE I, SOMATIC. Identifiers: Orphanet 636, MedGen C0027831, MONDO:0018975, OMIM 162200. Disease mechanism: loss of function.

Submissions (5):

Myriad Genetics, Inc.
Classification: Pathogenic for Neurofibromatosis, type 1. Last evaluated: 2026-06-02. Review status: criteria provided, single submitter. Criteria: Myriad Autosomal Dominant, Autosomal Recessive and X-Linked Classification Criteria (2023). Collection method: clinical testing. Allele origin: unknown.
Comment: This variant is considered pathogenic. This variant creates a termination codon and is predicted to result in premature protein truncation.

Clinical Genomics Laboratory, Washington University in St. Louis
Classification: Pathogenic for Neurofibromatosis, type 1. Last evaluated: 2025-12-14. Review status: criteria provided, single submitter. Criteria: ACMG Guidelines, 2015. Collection method: clinical testing. Allele origin: germline. Affected: yes.
Comment: An NF1 c.1275G>A (p.Trp425*) variant was identified at a near heterozygous allelic fraction of 54.9%, a frequency which may be consistent with it being of germline origin. This variant has been reported in the literature in two individuals with Neurofibromatosis type 1 (Messiaen LM et al., PMID: 10862084; Mattocks C et al., PMID: 15060124) and has also been reported in the ClinVar database as a germline pathogenic variant by two submitters (ClinVar Variation ID: 855972). It is absent from the general population (gnomAD v4.1.0), indicating it is not a common variant. The NF1 c.1275G>A (p.Trp425*) variant leads to a premature termination codon, which is predicted to lead to nonsense mediated decay. Based on the available information and the ACMG/AMP guidelines for variant interpretation (Richards S et al., PMID: 25741868), this variant is classified as pathogenic.

Division of Genetic & Genomic Pathology, Hong Kong Children's Hospital
Classification: Pathogenic for Neurofibromatosis, type 1. Last evaluated: 2024-09-13. Review status: criteria provided, single submitter. Criteria: ACMG Guidelines, 2015. Collection method: clinical testing. Allele origin: germline. Affected: yes.
Comment: The NF1 c.1275G>A variant creates a premature stop codon in exon 12 (out of 57 exons), and is predicted to result in loss of protein function by nonsense-mediated mRNA decay. The variant is absent from population controls (gnomAD 4.1.0 and gnomAD 2.1.1). It has been reported in patients with neurofibromatosis type 1 (PMID: 15060124, 10712197, ClinVar accession: VCV000855972.6). For these reasons, this variant is classified as pathogenic.

Labcorp Genetics (formerly Invitae), Labcorp
Classification: Pathogenic for Neurofibromatosis, type 1. Last evaluated: 2024-05-28. Review status: criteria provided, single submitter. Criteria: Invitae Variant Classification Sherloc (09022015). Collection method: clinical testing. Allele origin: germline.
Comment: This sequence change creates a premature translational stop signal (p.Trp425*) in the NF1 gene. It is expected to result in an absent or disrupted protein product. Loss-of-function variants in NF1 are known to be pathogenic (PMID: 10712197, 23913538). This variant is not present in population databases (gnomAD no frequency). This premature translational stop signal has been observed in individuals with neurofibromatosis type 1 (PMID: 10712197, 10862084, 15060124). ClinVar contains an entry for this variant (Variation ID: 855972). For these reasons, this variant has been classified as Pathogenic.

Breakthrough Genomics
Classification: Pathogenic for Neurofibromatosis, type 1. Last evaluated: 2023-07-13. Review status: criteria provided, single submitter. Criteria: ACMG Guidelines, 2015. Collection method: clinical testing. Allele origin: germline. Affected: yes.
Comment: This variant is predicted to cause a premature termination of the protein and the resultant protein will likely to lack Ras-GAP and CRAL-TRIO domain, lipid binding region and bipartite nuclear localization signal of the protein; this will likely result in loss-of-function. Due to the introduction of a premature stop codon, this aberrant transcript will likely be targeted by the nonsense-mediated mRNA decay (NMD) mechanism [PMID: 15040442]. The variant was previously reported in individuals with neurofibromatosis type 1 [PMID: 10712197, 10862084, 15060124, 23913538]. Loss-of-function variants in NF1 are known to be pathogenic [PMID: 10712197, 23913538].

Literature cited by the submitters: PubMed 15060124 (cited by Division of Genetic & Genomic Pathology, Hong Kong Children's Hospital and Labcorp Genetics (formerly Invitae), Labcorp); PubMed 10712197 (cited by Division of Genetic & Genomic Pathology, Hong Kong Children's Hospital and Labcorp Genetics (formerly Invitae), Labcorp); PubMed 23913538 (cited by Labcorp Genetics (formerly Invitae), Labcorp); PubMed 10862084 (cited by Labcorp Genetics (formerly Invitae), Labcorp).